The following is an entry in ClinVar:

ClinVar aggregate classification (germline): Uncertain significance (1 of 4 stars; one submission).

Submission:

GeneDx
Classification: Uncertain significance. Last evaluated: 2025-12-10. Review status: criteria provided, single submitter. Criteria: GeneDx Variant Classification Process June 2021. Collection method: clinical testing. Allele origin: germline.
Comment: Not observed at significant frequency in large population cohorts (gnomAD); In silico analysis suggests that this missense variant does not alter protein structure/function; Has not been previously published as pathogenic or benign to our knowledge

NM_001145809.2(MYH14):c.3542C>T (p.Ala1181Val)

Gene: MYH14 (myosin heavy chain 14; plus strand). Cytogenetic location: 19q13.33.
Variant type: single nucleotide variant.
Coding change: c.3542C>T on transcript NM_001145809.2 (MANE Select); coding-DNA position 3542, C replaced by T.
Protein change: p.Ala1181Val; replaces alanine 1181 with valine.
Molecular consequence: missense variant.
Genome position (GRCh38, 1-based): chr19:50,276,065, C>T. VCF-style: chr19-50276065-C-T. GRCh37 (hg19) VCF-style: chr19-50779322-C-T.
Other names: c.3443C>T, p.Ala1148Val (NM_001077186.2); c.3419C>T, p.Ala1140Val (NM_024729.4); short protein forms A1140V, A1148V, A1181V.
Identifiers: ClinVar variation 4532520 (VCV004532520.2).